The following is an entry in ClinVar:

ClinVar aggregate classification (germline): Likely pathogenic (1 of 4 stars; one submission).

Conditions:
PNPT1-related disorder. Also called: PNPT1-related condition; PNPT1-related disorders.

Submission:

PreventionGenetics, part of Exact Sciences
Classification: Likely pathogenic for PNPT1-related condition. Last evaluated: 2024-11-18. Review status: criteria provided, single submitter. Criteria: ACMG Guidelines, 2015. Collection method: clinical testing. Allele origin: germline.
Comment: The PNPT1 c.454-2A>G variant is predicted to disrupt the AG splice acceptor site and interfere with normal splicing. To our knowledge, this variant has not been reported in the literature or in a large population database (gnomAD), indicating this variant is rare. Variants that disrupt the consensus splice acceptor site in PNPT1 are expected to be pathogenic for autosomal recessive PNPT1-related disease. This variant is interpreted as likely pathogenic for autosomal recessive PNPT1-related disease. However, for autosomal dominant spinocerebellar ataxia the clinical significance of this variant is uncertain due to the absence of conclusive functional and genetic evidence.

NM_033109.5(PNPT1):c.454-2A>G

Gene: PNPT1 (polyribonucleotide nucleotidyltransferase 1; minus strand). Cytogenetic location: 2p16.1.
Variant type: single nucleotide variant.
Coding change: c.454-2A>G on transcript NM_033109.5 (MANE Select); the canonical splice acceptor site of the intron before coding-DNA position 454, A replaced by G.
Molecular consequence: splice acceptor variant.
Genome position (GRCh38, 1-based): chr2:55,680,920, T>C on the plus strand (A>G on the coding strand, the complement: PNPT1 is on the minus strand). VCF-style: chr2-55680920-T-C. GRCh37 (hg19) VCF-style: chr2-55908055-T-C.
Identifiers: ClinVar variation 4999928 (VCV004999928.1).